The following is an entry in ClinVar:

ClinVar aggregate classification (germline): Uncertain significance. Review status: criteria provided, multiple submitters, no conflicts (2 of 4 stars). 3 submissions from 3 submitters: Uncertain significance (2). 1 of the submissions does not count toward it. Last evaluated 2025-02-22.

Conditions:
Fanconi anemia (FA). Also called: Fanconi's anemia. Identifiers: Orphanet 84, MedGen C0015625, MeSH D005199, MONDO:0019391.
Inborn genetic diseases. Identifiers: MedGen C0950123, MeSH D030342.
Fanconi anemia complementation group A (FANCA). Also called: Fanconi anemia, group A; FANCA-Related Fanconi Anemia. Identifiers: Orphanet 84, MedGen C3469521, MONDO:0009215, OMIM 227650.

Allele frequency attached by ClinVar (database versions not stated): gnomAD exomes below 0.00001.
gnomAD v4.1: 5 of 1,613,980 alleles (0.00031%); highest among the groups gnomAD compares: Non-Finnish European, 0.00042%; no homozygotes.

Submissions (3):

Ambry Genetics
Classification: Uncertain significance for Inborn genetic diseases. Last evaluated: 2025-02-22. Review status: criteria provided, single submitter. Criteria: Ambry Variant Classification Scheme 2023. Collection method: clinical testing. Allele origin: germline.

Labcorp Genetics (formerly Invitae), Labcorp
Classification: Uncertain significance for Fanconi anemia. Last evaluated: 2021-04-08. Review status: criteria provided, single submitter. Criteria: Invitae Variant Classification Sherloc (09022015). Collection method: clinical testing. Allele origin: germline.
Comment: This variant is not present in population databases (ExAC no frequency). This sequence change replaces glutamic acid with glycine at codon 800 of the FANCA protein (p.Glu800Gly). The glutamic acid residue is moderately conserved and there is a moderate physicochemical difference between glutamic acid and glycine. This variant has not been reported in the literature in individuals with FANCA-related conditions. ClinVar contains an entry for this variant (Variation ID: 990014). Advanced modeling of protein sequence and biophysical properties (such as structural, functional, and spatial information, amino acid conservation, physicochemical variation, residue mobility, and thermodynamic stability) performed at Invitae indicates that this missense variant is not expected to disrupt FANCA protein function. In summary, the available evidence is currently insufficient to determine the role of this variant in disease. Therefore, it has been classified as a Variant of Uncertain Significance.

Natera, Inc.
Classification: Uncertain significance for Fanconi anemia, group A. Last evaluated: 2020-08-13. Review status: no assertion criteria provided. Collection method: clinical testing. Allele origin: germline. Not counted in ClinVar's aggregate classification.

NM_000135.4(FANCA):c.2399A>G (p.Glu800Gly)

Gene: FANCA (FA complementation group A; minus strand). Cytogenetic location: 16q24.3.
Variant type: single nucleotide variant.
Coding change: c.2399A>G on transcript NM_000135.4 (MANE Select); coding-DNA position 2399, A replaced by G.
Protein change: p.Glu800Gly; replaces glutamic acid 800 with glycine.
Molecular consequence: missense variant.
Genome position (GRCh38, 1-based): chr16:89,769,942, T>C on the plus strand (A>G on the coding strand, the complement: FANCA is on the minus strand). VCF-style: chr16-89769942-T-C. GRCh37 (hg19) VCF-style: chr16-89836350-T-C.
Other names: c.2399A>G (NM_000135.2); c.2399A>G, p.Glu800Gly (NM_001286167.3); short protein forms E800G.
Identifiers: ClinVar variation 990014 (VCV000990014.9), dbSNP rs2039264657, ClinGen allele CA397443874.